The following is an entry in ClinVar:

NM_021120.4(DLG3):c.108C>T (p.Pro36=)

Gene: DLG3 (discs large MAGUK scaffold protein 3; plus strand). Cytogenetic location: Xq13.1.
Variant type: single nucleotide variant.
Coding change: c.108C>T on transcript NM_021120.4 (MANE Select); coding-DNA position 108, C replaced by T.
Protein change: p.Pro36=; no amino-acid change (proline 36 retained).
Molecular consequence: synonymous variant.
Genome position (GRCh38, 1-based): chrX:70,445,309, C>T. VCF-style: chrX-70445309-C-T. GRCh37 (hg19) VCF-style: chrX-69665159-C-T.
Identifiers: ClinVar variation 2660823 (VCV002660823.24), dbSNP rs2519725039, ClinGen allele CA517046787.

ClinVar aggregate classification (germline): Likely benign (1 of 4 stars; one submission).

Submission:

CeGaT Center for Human Genetics Tuebingen
Classification: Likely benign. Last evaluated: 2022-06-01. Review status: criteria provided, single submitter. Criteria: CeGaT Center For Human Genetics Tuebingen Variant Classification Criteria Version 2. Collection method: clinical testing. Allele origin: germline. Affected: yes. Observed: 1 variant allele.
Comment: DLG3: PM2:Supporting, BP4, BP7